The following is an entry in ClinVar:

ClinVar aggregate classification (germline): Uncertain significance (1 of 4 stars; one submission).

Conditions:
Hyperkalemic periodic paralysis. Also called: Familial hyperkalemic periodic paralysis; Gamstorp disease. Identifiers: Orphanet 682, MedGen C0238357, MONDO:0008224, OMIM 170500, HP:0007215.

Submission:

Labcorp Genetics (formerly Invitae), Labcorp
Classification: Uncertain significance for Hyperkalemic periodic paralysis. Last evaluated: 2023-11-04. Review status: criteria provided, single submitter. Criteria: Invitae Variant Classification Sherloc (09022015). Collection method: clinical testing. Allele origin: germline.
Comment: This sequence change replaces valine, which is neutral and non-polar, with isoleucine, which is neutral and non-polar, at codon 120 of the SCN4A protein (p.Val120Ile). This variant is not present in population databases (gnomAD no frequency). This variant has not been reported in the literature in individuals affected with SCN4A-related conditions. Advanced modeling of protein sequence and biophysical properties (such as structural, functional, and spatial information, amino acid conservation, physicochemical variation, residue mobility, and thermodynamic stability) performed at Invitae indicates that this missense variant is not expected to disrupt SCN4A protein function with a negative predictive value of 95%. In summary, the available evidence is currently insufficient to determine the role of this variant in disease. Therefore, it has been classified as a Variant of Uncertain Significance.

NM_000334.4(SCN4A):c.358G>A (p.Val120Ile)

Gene: SCN4A (sodium voltage-gated channel alpha subunit 4; minus strand). Cytogenetic location: 17q23.3.
Variant type: single nucleotide variant.
Coding change: c.358G>A on transcript NM_000334.4 (MANE Select); coding-DNA position 358, G replaced by A.
Protein change: p.Val120Ile; replaces valine 120 with isoleucine.
Molecular consequence: missense variant.
Genome position (GRCh38, 1-based): chr17:63,972,386, C>T on the plus strand (G>A on the coding strand, the complement: SCN4A is on the minus strand). VCF-style: chr17-63972386-C-T. GRCh37 (hg19) VCF-style: chr17-62049746-C-T.
Other names: short protein forms V120I.
Identifiers: ClinVar variation 2693268 (VCV002693268.3), dbSNP rs2509325140, ClinGen allele CA400639918.